The following is an entry in ClinVar:

NM_007327.4(GRIN1):c.2341G>A (p.Glu781Lys)

Gene: GRIN1 (glutamate ionotropic receptor NMDA type subunit 1; plus strand). Cytogenetic location: 9q34.3.
Variant type: single nucleotide variant.
Coding change: c.2341G>A on transcript NM_007327.4 (MANE Select); coding-DNA position 2341, G replaced by A.
Protein change: p.Glu781Lys; replaces glutamic acid 781 with lysine.
Molecular consequence: missense variant.
Genome position (GRCh38, 1-based): chr9:137,163,566, G>A. VCF-style: chr9-137163566-G-A. GRCh37 (hg19) VCF-style: chr9-140058018-G-A.
Other names: c.2341G>A, p.Glu781Lys (NM_000832.7, NM_021569.4); c.2404G>A, p.Glu802Lys (NM_001185090.2, NM_001185091.2); short protein forms E781K, E802K.
Identifiers: ClinVar variation 3360892 (VCV003360892.1).
Genomic context (GRCh38, chr9:137,163,566, plus strand): 5'-CCTTCCCGTCCTGGGCCCCGCCTCACTGCAGGCTCACTTGTTCCCACCGCCAGGTCCCAC[G>A]AGAATGGCTTCATGGAAGACCTGGACAAGACGTGGGTTCGGTATCAGGAATGTGACTCGC-3'
Protein context (NP_015566.1, residues 771-791): NVSLSILKSH[Glu781Lys]NGFMEDLDKT

ClinVar aggregate classification (germline): Uncertain significance (1 of 4 stars; one submission).

gnomAD v4.1: 1 of 1,610,344 alleles (0.000062%); highest among the groups gnomAD compares: Non-Finnish European, 0.000085%; no homozygotes.

Submission:

GeneDx
Classification: Uncertain significance. Last evaluated: 2023-07-13. Review status: criteria provided, single submitter. Criteria: GeneDx Variant Classification Process June 2021. Collection method: clinical testing. Allele origin: germline. Affected: yes.
Comment: Not observed at significant frequency in large population cohorts (gnomAD); In silico analysis supports that this missense variant has a deleterious effect on protein structure/function; Has not been previously published as pathogenic or benign to our knowledge